The following is an entry in ClinVar:

ClinVar aggregate classification (germline): Benign/Likely benign. Review status: criteria provided, multiple submitters, no conflicts (2 of 4 stars). 3 submissions from 3 submitters: Benign (1); Likely benign (2). Last evaluated 2025-02-04.

Conditions:
Hereditary nonpolyposis colorectal neoplasms. Identifiers: MedGen C0009405, MeSH D003123.
Hereditary cancer-predisposing syndrome. Also called: Tumor predisposition; Neoplastic Syndromes, Hereditary; Hereditary Cancer Syndrome; Hereditary neoplastic syndrome. Identifiers: Orphanet 140162, MedGen C0027672, MeSH D009386, MONDO:0015356.
Lynch syndrome 4 (LYNCH4). Also called: Colorectal cancer, hereditary nonpolyposis, type 4; Hereditary non-polyposis colorectal cancer, type 4. Identifiers: Orphanet 144, MedGen C1838333, MONDO:0013699, OMIM 614337. Disease mechanism: loss of function.

Submissions (3):

Myriad Genetics, Inc.
Classification: Benign for Lynch syndrome 4. Last evaluated: 2025-02-04. Review status: criteria provided, single submitter. Criteria: Myriad Autosomal Dominant, Autosomal Recessive and X-Linked Classification Criteria (2023). Collection method: clinical testing. Allele origin: unknown.
Comment: This variant is considered benign. This variant is a silent/synonymous amino acid change and it is not expected to impact splicing.

Labcorp Genetics (formerly Invitae), Labcorp
Classification: Likely benign for Hereditary nonpolyposis colorectal neoplasms. Last evaluated: 2024-12-12. Review status: criteria provided, single submitter. Criteria: Invitae Variant Classification Sherloc (09022015). Collection method: clinical testing. Allele origin: germline.

Ambry Genetics
Classification: Likely benign for Hereditary cancer-predisposing syndrome. Last evaluated: 2020-08-20. Review status: criteria provided, single submitter. Criteria: Ambry Variant Classification Scheme 2023. Collection method: clinical testing. Allele origin: germline.

NM_000535.7(PMS2):c.2394C>T (p.Cys798=)

Gene: PMS2 (PMS1 homolog 2, mismatch repair system component; minus strand). Cytogenetic location: 7p22.1.
Variant type: single nucleotide variant.
Coding change: c.2394C>T on transcript NM_000535.7 (MANE Select); coding-DNA position 2394, C replaced by T.
Protein change: p.Cys798=; no amino-acid change (cysteine 798 retained).
Molecular consequence: synonymous variant. On other transcripts: non-coding transcript variant (1).
Genome position (GRCh38, 1-based): chr7:5,977,639, G>A on the plus strand (C>T on the coding strand, the complement: PMS2 is on the minus strand). VCF-style: chr7-5977639-G-A. GRCh37 (hg19) VCF-style: chr7-6017270-G-A.
Other names: c.1989C>T, p.Cys663= (NM_001322003.2, NM_001322004.2, NM_001322005.2); c.2238C>T, p.Cys746= (NM_001322006.2); c.2076C>T, p.Cys692= (NM_001322007.2, NM_001322008.2); c.2022C>T, p.Cys674= (NM_001322009.2); c.1833C>T, p.Cys611= (NM_001322010.2); c.1461C>T, p.Cys487= (NM_001322011.2, NM_001322012.2); c.1821C>T, p.Cys607= (NM_001322013.2); c.2427C>T, p.Cys809= (NM_001322014.2); and 1 more.
Identifiers: ClinVar variation 766730 (VCV000766730.12), dbSNP rs1583280086, ClinGen allele CA453642358.
Genomic context (GRCh38, chr7:5,977,639, plus strand): 5'-TTTACTTACCGACTTCCGGCAGGCTCTGGAGGCAAACATCTGCTTGACTCGGGAAGGCCG[G>A]CACATGACCCCAGGGCTGTCGCTCAGCATGAAGATCAGTTCATCGACGTCCTGGGGTCCG-3'
Protein context (NP_000526.2, residues 788-808): FMLSDSPGVM[Cys798=]RPSRVKQMFA